The following is an entry in ClinVar:

ClinVar aggregate classification (germline): Uncertain significance (1 of 4 stars; one submission).

Conditions:
Autosomal dominant childhood-onset proximal spinal muscular atrophy with contractures (SMALED2A). Also called: SPINAL MUSCULAR ATROPHY, LOWER EXTREMITY-PREDOMINANT, 2A, CHILDHOOD ONSET, AUTOSOMAL DOMINANT; Spinal muscular atrophy, lower extremity-predominant, 2A, autosomal dominant. Identifiers: Orphanet 363447, Orphanet 363454, MedGen C4747715, MONDO:0014121, OMIM 615290.

Allele frequency attached by ClinVar (database versions not stated): gnomAD exomes below 0.00001.
gnomAD v4.1: 1 of 1,613,426 alleles (0.000062%); highest among the groups gnomAD compares: Admixed American, 0.0017%; no homozygotes.

Submission:

Labcorp Genetics (formerly Invitae), Labcorp
Classification: Uncertain significance for Autosomal dominant childhood-onset proximal spinal muscular atrophy with contractures. Last evaluated: 2023-06-19. Review status: criteria provided, single submitter. Criteria: Invitae Variant Classification Sherloc (09022015). Collection method: clinical testing. Allele origin: germline.
Comment: This sequence change replaces glycine, which is neutral and non-polar, with serine, which is neutral and polar, at codon 207 of the BICD2 protein (p.Gly207Ser). This variant is not present in population databases (gnomAD no frequency). This variant has not been reported in the literature in individuals affected with BICD2-related conditions. Advanced modeling of protein sequence and biophysical properties (such as structural, functional, and spatial information, amino acid conservation, physicochemical variation, residue mobility, and thermodynamic stability) performed at Invitae indicates that this missense variant is not expected to disrupt BICD2 protein function. In summary, the available evidence is currently insufficient to determine the role of this variant in disease. Therefore, it has been classified as a Variant of Uncertain Significance.

NM_001003800.2(BICD2):c.619G>A (p.Gly207Ser)

Gene: BICD2 (BICD cargo adaptor 2; minus strand). Cytogenetic location: 9q22.31.
Variant type: single nucleotide variant.
Coding change: c.619G>A on transcript NM_001003800.2 (MANE Select); coding-DNA position 619, G replaced by A.
Protein change: p.Gly207Ser; replaces glycine 207 with serine.
Molecular consequence: missense variant.
Genome position (GRCh38, 1-based): chr9:92,720,743, C>T on the plus strand (G>A on the coding strand, the complement: BICD2 is on the minus strand). VCF-style: chr9-92720743-C-T. GRCh37 (hg19) VCF-style: chr9-95483025-C-T.
Other names: c.619G>A, p.Gly207Ser (NM_015250.4); short protein forms G207S.
Identifiers: ClinVar variation 2873566 (VCV002873566.3), dbSNP rs2490453178, ClinGen allele CA374044597.